The following is an entry in ClinVar:

ClinVar aggregate classification (germline): Likely benign (0 of 4 stars; one submission).

Conditions:
DYRK1B-related disorder. Also called: DYRK1B-related condition.

gnomAD v4.1: 7 of 1,558,572 alleles (0.00045%); highest among the groups gnomAD compares: Non-Finnish European, 0.00061%; no homozygotes.

Submission:

PreventionGenetics, part of Exact Sciences
Classification: Likely benign for DYRK1B-related condition. Last evaluated: 2023-12-05. Review status: no assertion criteria provided. Collection method: clinical testing. Allele origin: germline.
Comment: This variant is classified as likely benign based on ACMG/AMP sequence variant interpretation guidelines (Richards et al. 2015 PMID: 25741868, with internal and published modifications).

NM_004714.3(DYRK1B):c.1860T>C (p.Gly620=)

Gene: DYRK1B (dual specificity tyrosine phosphorylation regulated kinase 1B; minus strand). Cytogenetic location: 19q13.2.
Variant type: single nucleotide variant.
Coding change: c.1860T>C on transcript NM_004714.3 (MANE Select); coding-DNA position 1860, T replaced by C.
Protein change: p.Gly620=; no amino-acid change (glycine 620 retained).
Molecular consequence: synonymous variant.
Genome position (GRCh38, 1-based): chr19:39,825,745, A>G on the plus strand (T>C on the coding strand, the complement: DYRK1B is on the minus strand). VCF-style: chr19-39825745-A-G. GRCh37 (hg19) VCF-style: chr19-40316385-A-G.
Other names: c.1740T>C, p.Gly580= (NM_006483.3); c.1776T>C, p.Gly592= (NM_006484.3).
Identifiers: ClinVar variation 3349754 (VCV003349754.1).